The following is an entry in ClinVar:

ClinVar aggregate classification (germline): Conflicting classifications of pathogenicity. Review status: criteria provided, conflicting classifications (1 of 4 stars). 9 submissions from 9 submitters: Uncertain significance (7); Likely benign (1). 1 of the submissions does not count toward it. Last evaluated 2025-12-01.

Conditions:
Multiple endocrine neoplasia type 2A. Also called: MULTIPLE ENDOCRINE NEOPLASIA, TYPE IIA; PTC SYNDROME; SIPPLE SYNDROME; MEN 2A; MEN-2A syndrome; Pheochromocytoma and amyloid producing medullary thyroid carcinoma. Identifiers: Orphanet 247698, Orphanet 653, MedGen C0025268, MeSH D018813, MONDO:0008234, OMIM 171400.
Pheochromocytoma. Also called: MAX-Related Hereditary Paraganglioma-Pheochromocytoma Syndrome. Identifiers: Orphanet 29072, MedGen C0031511, MONDO:0008233, OMIM 171300, HP:0002666.
Familial medullary thyroid carcinoma (MTC). Also called: Thyroid cancer, familial medullary; MTC, familial; Familial Medullary Thyroid Carcinoma (FMTC). Identifiers: Orphanet 653, Orphanet 99361, MedGen C1833921, MONDO:0007958, OMIM 155240.
Multiple endocrine neoplasia type 2B. Also called: MEN 2B; Multiple endocrine neoplasia, type 3; MULTIPLE ENDOCRINE NEOPLASIA, TYPE IIB; MUCOSAL NEUROMA SYNDROME; NEUROMATA, MUCOSAL, WITH ENDOCRINE TUMORS; WAGENMANN-FROBOESE SYNDROME. Identifiers: Orphanet 247709, Orphanet 653, MedGen C0025269, MeSH D018814, MONDO:0008082, OMIM 162300.
Hirschsprung disease, susceptibility to, 1 (HSCR1). Also called: RET-Related Hirschsprung Disease. Identifiers: Orphanet 388, MedGen C3888239, MONDO:0007723, OMIM 142623.
Hereditary cancer-predisposing syndrome. Also called: Neoplastic Syndromes, Hereditary; Tumor predisposition; Hereditary neoplastic syndrome; Hereditary Cancer Syndrome. Identifiers: Orphanet 140162, MedGen C0027672, MeSH D009386, MONDO:0015356.
Multiple endocrine neoplasia, type 2 (MEN2). Identifiers: Orphanet 653, MedGen C4048306, MONDO:0019003. Disease mechanism: gain of function.

Allele frequency attached by ClinVar (database versions not stated): ExAC 0.00002; gnomAD exomes 0.00004 and 0.00001; gnomAD 0.00002 and 0.00003; TOPMed 0.00008.
gnomAD v4.1: 59 of 1,612,988 alleles (0.0037%); highest among the groups gnomAD compares: Non-Finnish European, 0.0045%; no homozygotes.

Submissions (9):

Labcorp Genetics (formerly Invitae), Labcorp
Classification: Uncertain significance for Multiple endocrine neoplasia, type 2. Last evaluated: 2025-12-01. Review status: criteria provided, single submitter. Criteria: Invitae Variant Classification Sherloc (09022015). Collection method: clinical testing. Allele origin: germline.
Comment: This sequence change replaces arginine, which is basic and polar, with cysteine, which is neutral and slightly polar, at codon 833 of the RET protein (p.Arg833Cys). This variant is present in population databases (rs377767422, gnomAD 0.002%). This missense change has been observed in individual(s) with clinical features of RET-related conditions (PMID: 16469774, 25440022, 32430905). ClinVar contains an entry for this variant (Variation ID: 24945). An algorithm developed to predict the effect of missense changes on protein structure and function outputs the following: PolyPhen-2: "Possibly Damaging". The cysteine amino acid residue is found in multiple mammalian species, which suggests that this missense change does not adversely affect protein function. Experimental studies have shown that this missense change affects RET function (PMID: 16469774). In summary, the available evidence is currently insufficient to determine the role of this variant in disease. Therefore, it has been classified as a Variant of Uncertain Significance.

Color Diagnostics, LLC DBA Color Health
Classification: Uncertain significance for Multiple endocrine neoplasia, type 2. Last evaluated: 2024-08-23. Review status: criteria provided, single submitter. Criteria: ACMG Guidelines, 2015. Collection method: clinical testing. Allele origin: germline.
Comment: This missense variant replaces arginine with cysteine at codon 833 of the RET protein. Computational prediction suggests that this variant may have deleterious impact on protein structure and function. A functional study has shown that this variant is a weak activator and can induce transformation in a GDNF-dependent manner, has weak kinase activity with no demonstrated invasion/metastatic potential when expressed in vitro, and is tumorigenic when induced in vivo (PMID: 16469774). This variant has been reported in an individual affected with isolated hyperparathyroidism (PMID: 32430905) and in two individuals affected with medullary thyroid cancer (PMID: 16469774, 31510104). This variant has been identified in 4/280894 chromosomes in the general population by the Genome Aggregation Database (gnomAD). The available evidence is insufficient to determine the role of this variant in disease conclusively. Therefore, this variant is classified as a Variant of Uncertain Significance.

Quest Diagnostics Nichols Institute San Juan Capistrano
Classification: Uncertain significance. Last evaluated: 2024-06-07. Review status: criteria provided, single submitter. Criteria: Quest Diagnostics criteria. Collection method: clinical testing. Allele origin: unknown.

Fulgent Genetics
Classification: Uncertain significance for Hirschsprung disease, susceptibility to, 1; Familial medullary thyroid carcinoma; Multiple endocrine neoplasia type 2B; Pheochromocytoma; Multiple endocrine neoplasia type 2A. Last evaluated: 2024-04-02. Review status: criteria provided, single submitter. Criteria: ACMG Guidelines, 2015. Collection method: clinical testing. Allele origin: germline.

Baylor Genetics
Classification: Uncertain significance for Hirschsprung disease, susceptibility to, 1. Last evaluated: 2024-03-24. Review status: criteria provided, single submitter. Criteria: ACMG Guidelines, 2015. Collection method: clinical testing. Allele origin: unknown.

Myriad Genetics, Inc.
Classification: Uncertain significance for Multiple endocrine neoplasia type 2A. Last evaluated: 2023-04-18. Review status: criteria provided, single submitter. Criteria: Myriad Autosomal Dominant, Autosomal Recessive and X-Linked Classification Criteria (2023). Collection method: clinical testing. Allele origin: unknown.
Comment: This variant is classified as a variant of uncertain significance as there is insufficient evidence to determine its impact on protein function and/or cancer risk.

Ambry Genetics
Classification: Likely benign for Hereditary cancer-predisposing syndrome. Last evaluated: 2023-02-16. Review status: criteria provided, single submitter. Criteria: Ambry Variant Classification Scheme 2023. Collection method: clinical testing. Allele origin: germline.

GeneDx
Classification: Uncertain significance. Last evaluated: 2022-08-19. Review status: criteria provided, single submitter. Criteria: GeneDx Variant Classification Process June 2021. Collection method: clinical testing. Allele origin: germline. Affected: yes.
Comment: Published functional studies demonstrate results similar to known MTC moderate-risk variants V804L and S891A, including transformation potential, tumor formation, low-level activating potential, a mild increase in kinase activity, and no invasion (Cranston et al., 2006); however, the clinical implications of these results are uncertain; Not observed at significant frequency in large population cohorts (gnomAD); In silico analysis supports that this missense variant has a deleterious effect on protein structure/function; This variant is associated with the following publications: (PMID: 26678667, 25824727, 25810047, 19469690, 21479187, 17952863, 16469774, 25440022, 24699901, 27014708, 20301434, 24449662, 14633923, 34426522, 31510104, 32430905, 31605946, 32284345, 29590403)

Counsyl
Classification: Uncertain significance for Multiple endocrine neoplasia type 2A. Last evaluated: 2017-10-17. Review status: no assertion criteria provided. Collection method: clinical testing. Allele origin: unknown. Not counted in ClinVar's aggregate classification.

Literature cited by the submitters: PubMed 16469774 (cited by 5 submitters); PubMed 25440022 (cited by 4 submitters); PubMed 32430905 (cited by 4 submitters); PubMed 31510104 (cited by Color Diagnostics, LLC DBA Color Health and Quest Diagnostics Nichols Institute San Juan Capistrano); PubMed 32083997 (cited by Quest Diagnostics Nichols Institute San Juan Capistrano); PubMed 31605946 (cited by Quest Diagnostics Nichols Institute San Juan Capistrano); PubMed 31300450 (cited by Quest Diagnostics Nichols Institute San Juan Capistrano); PubMed 24699901 (cited by Quest Diagnostics Nichols Institute San Juan Capistrano and Ambry Genetics); PubMed 29590403 (cited by Quest Diagnostics Nichols Institute San Juan Capistrano); PubMed 21479187 (cited by Quest Diagnostics Nichols Institute San Juan Capistrano); PubMed 19469690 (cited by Ambry Genetics); PubMed 25733075 (cited by Ambry Genetics).

NM_020975.6(RET):c.2497C>T (p.Arg833Cys)

Gene: RET (ret proto-oncogene; plus strand). Cytogenetic location: 10q11.21.
Variant type: single nucleotide variant.
Coding change: c.2497C>T on transcript NM_020975.6 (MANE Select); coding-DNA position 2497, C replaced by T.
Protein change: p.Arg833Cys; replaces arginine 833 with cysteine.
Molecular consequence: missense variant.
Genome position (GRCh38, 1-based): chr10:43,119,635, C>T. VCF-style: chr10-43119635-C-T. GRCh37 (hg19) VCF-style: chr10-43615083-C-T.
Other names: c.2497C>T, p.Arg833Cys (NM_000323.2, NM_001406743.1, NM_001406744.1 and 4 more transcripts); c.1735C>T, p.Arg579Cys (NM_001355216.2); c.2368C>T, p.Arg790Cys (NM_001406761.1, NM_001406762.1, NM_001406764.1); c.2362C>T, p.Arg788Cys (NM_001406763.1, NM_001406765.1); c.2209C>T, p.Arg737Cys (NM_001406766.1, NM_001406767.1, NM_001406770.1); c.2233C>T, p.Arg745Cys (NM_001406768.1); c.1600C>T, p.Arg534Cys (NM_001406779.1, NM_001406780.1, NM_001406781.1 and 1 more transcripts); c.1471C>T, p.Arg491Cys (NM_001406783.1, NM_001406786.1); and 10 more; short protein forms R579C, R398C, R687C, R737C, R745C, R788C, R790C, R350C.
Identifiers: ClinVar variation 24945 (VCV000024945.23), dbSNP rs377767422, ClinGen allele CA008813.
Genomic context (GRCh38, chr10:43,119,635, plus strand): 5'-CGGGGCTTCCTCCGCGAGAGCCGCAAAGTGGGGCCTGGCTACCTGGGCAGTGGAGGCAGC[C>T]GCAACTCCAGCTCCCTGGACCACCCGGATGAGCGGGCCCTCACCATGGGCGACCTCATCT-3'
Protein context (NP_066124.1, residues 823-843): GPGYLGSGGS[Arg833Cys]NSSSLDHPDE